The following is an entry in ClinVar:

NM_000135.4(FANCA):c.3761A>C (p.Glu1254Ala)

Gene: FANCA (FA complementation group A; minus strand). Cytogenetic location: 16q24.3.
Variant type: single nucleotide variant.
Coding change: c.3761A>C on transcript NM_000135.4 (MANE Select); coding-DNA position 3761, A replaced by C.
Protein change: p.Glu1254Ala; replaces glutamic acid 1254 with alanine.
Molecular consequence: missense variant.
Genome position (GRCh38, 1-based): chr16:89,742,804, T>G on the plus strand (A>C on the coding strand, the complement: FANCA is on the minus strand). VCF-style: chr16-89742804-T-G. GRCh37 (hg19) VCF-style: chr16-89809212-T-G.
Other names: c.3761A>C, p.Glu1254Ala (NM_001286167.3); short protein forms E1254A.
Identifiers: ClinVar variation 4619245 (VCV004619245.1).

ClinVar aggregate classification (germline): Uncertain significance (1 of 4 stars; one submission).

Conditions:
Inborn genetic diseases. Identifiers: MedGen C0950123, MeSH D030342.

Submission:

Ambry Genetics
Classification: Uncertain significance for Inborn genetic diseases. Last evaluated: 2025-11-03. Review status: criteria provided, single submitter. Criteria: Ambry Variant Classification Scheme 2023. Collection method: clinical testing. Allele origin: germline.
Comment: The p.E1254A variant (also known as c.3761A>C), located in coding exon 37 of the FANCA gene, results from an A to C substitution at nucleotide position 3761. The glutamic acid at codon 1254 is replaced by alanine, an amino acid with dissimilar properties. This amino acid position is conserved. In addition, the in silico prediction for this alteration is inconclusive. Based on the available evidence, the clinical significance of this variant remains unclear.